The following is an entry in ClinVar:

ClinVar aggregate classification (germline): Uncertain significance (1 of 4 stars; one submission).

Conditions:
Ellis-van Creveld syndrome (EVC). Also called: EVC-Related Ellis-van Creveld Syndrome; EVC2-Related Ellis-van Creveld Syndrome; MESOECTODERMAL DYSPLASIA; Chondroectodermal dysplasia. Identifiers: Orphanet 289, MedGen C0013903, MONDO:0009162, OMIM 225500.
Curry-Hall syndrome (WAD). Also called: WEYERS ACRODENTAL DYSOSTOSIS. Identifiers: Orphanet 952, MedGen C0457013, MONDO:0008673, OMIM 193530.

Allele frequency attached by ClinVar (database versions not stated): ExAC 0.00001; TOPMed 0.00002; gnomAD 0.00003.
gnomAD v4.1: 26 of 1,614,084 alleles (0.0016%); highest among the groups gnomAD compares: Middle Eastern, 0.016%; no homozygotes.

Submission:

Labcorp Genetics (formerly Invitae), Labcorp
Classification: Uncertain significance for Curry-Hall syndrome; Ellis-van Creveld syndrome. Last evaluated: 2022-08-16. Review status: criteria provided, single submitter. Criteria: Invitae Variant Classification Sherloc (09022015). Collection method: clinical testing. Allele origin: germline.
Comment: This sequence change replaces glycine, which is neutral and non-polar, with arginine, which is basic and polar, at codon 254 of the EVC2 protein (p.Gly254Arg). This variant is present in population databases (rs781655349, gnomAD 0.02%). This variant has not been reported in the literature in individuals affected with EVC2-related conditions. Algorithms developed to predict the effect of missense changes on protein structure and function output the following: SIFT: "Tolerated"; PolyPhen-2: "Benign"; Align-GVGD: "Class C0". The arginine amino acid residue is found in multiple mammalian species, which suggests that this missense change does not adversely affect protein function. In summary, the available evidence is currently insufficient to determine the role of this variant in disease. Therefore, it has been classified as a Variant of Uncertain Significance.

NM_147127.5(EVC2):c.760G>A (p.Gly254Arg)

Gene: EVC2 (EvC ciliary complex subunit 2; minus strand). Cytogenetic location: 4p16.2.
Variant type: single nucleotide variant.
Coding change: c.760G>A on transcript NM_147127.5 (MANE Select); coding-DNA position 760, G replaced by A.
Protein change: p.Gly254Arg; replaces glycine 254 with arginine.
Molecular consequence: missense variant.
Genome position (GRCh38, 1-based): chr4:5,685,426, C>T on the plus strand (G>A on the coding strand, the complement: EVC2 is on the minus strand). VCF-style: chr4-5685426-C-T. GRCh37 (hg19) VCF-style: chr4-5687153-C-T.
Other names: c.520G>A, p.Gly174Arg (NM_001166136.2); short protein forms G254R, G174R.
Identifiers: ClinVar variation 2180517 (VCV002180517.1), dbSNP rs781655349, ClinGen allele CA2835313.